The following is an entry in ClinVar:

ClinVar aggregate classification (germline): Pathogenic. Review status: criteria provided, multiple submitters, no conflicts (2 of 4 stars). 3 submissions from 3 submitters: Pathogenic (3). Last evaluated 2026-07-28.

Conditions:
Maple syrup urine disease type 1B (MSUD1B). Also called: MSUD type IB; MSUD type 3 (formerly); MSUD due to deficiency of e1-beta subunit of branched-chain alpha-keto acid dehydrogenase complex. Identifiers: MedGen C2930990, MONDO:0023692, OMIM 620698.
Maple syrup urine disease (MSUD). Identifiers: Orphanet 511, MedGen C0024776, MeSH D008375, MONDO:0009563. Disease mechanism: loss of function.

Submissions (3):

Myriad Genetics, Inc.
Classification: Pathogenic for Maple syrup urine disease type 1B. Last evaluated: 2026-07-28. Review status: criteria provided, single submitter. Criteria: Myriad Autosomal Dominant, Autosomal Recessive and X-Linked Classification Criteria (2023). Collection method: clinical testing. Allele origin: unknown.
Comment: NM_183050.2(BCKDHB):c.75delG(L26Ffs*46) is expected to be pathogenic in the context of maple syrup urine disease type Ib. This variant is predicted to lead to an abnormal or absent protein product due to the creation of a premature termination codon in BCKDHB, a gene where loss-of-function variants are known to be pathogenic. Please note: this variant was assessed in the context of healthy population screening.

Fulgent Genetics
Classification: Pathogenic for Maple syrup urine disease type 1B. Last evaluated: 2024-05-28. Review status: criteria provided, single submitter. Criteria: ACMG Guidelines, 2015. Collection method: clinical testing. Allele origin: germline.

Labcorp Genetics (formerly Invitae), Labcorp
Classification: Pathogenic for Maple syrup urine disease. Last evaluated: 2023-02-28. Review status: criteria provided, single submitter. Criteria: Invitae Variant Classification Sherloc (09022015). Collection method: clinical testing. Allele origin: germline.
Comment: For these reasons, this variant has been classified as Pathogenic. This premature translational stop signal has been observed in individual(s) with maple syrup urine disease (PMID: 31980395). This variant is not present in population databases (gnomAD no frequency). This sequence change creates a premature translational stop signal (p.Leu26Phefs*46) in the BCKDHB gene. It is expected to result in an absent or disrupted protein product. Loss-of-function variants in BCKDHB are known to be pathogenic (PMID: 16786533, 22593002).

Literature cited by the submitters: PubMed 31980395 (cited by Labcorp Genetics (formerly Invitae), Labcorp); PubMed 16786533 (cited by Labcorp Genetics (formerly Invitae), Labcorp); PubMed 22593002 (cited by Labcorp Genetics (formerly Invitae), Labcorp).

NM_183050.4(BCKDHB):c.75del (p.Leu26fs)

Gene: BCKDHB (branched chain keto acid dehydrogenase E1 subunit beta; plus strand). Cytogenetic location: 6q14.1.
Variant type: Deletion.
Coding change: c.75del on transcript NM_183050.4 (MANE Select); coding-DNA position 75, one base deleted (G; older notation c.75delG).
Protein change: p.Leu26fs; shifts the reading frame from leucine 26.
Molecular consequence: frameshift variant. On other transcripts: 5 prime UTR variant (1), non-coding transcript variant (6), intron variant (1).
Genome position (GRCh38, 1-based): chr6:80,106,768, G deleted; the last of 2 consecutive G bases (chr6:80,106,767-80,106,768); deleting either gives the same sequence. VCF-style (leftmost placement, unchanged base first): chr6-80106766-CG-C. GRCh37 (hg19) VCF-style: chr6-80816483-CG-C.
Other names: c.75del, p.Leu26fs (NM_000056.5, NM_001424035.1, NM_001424036.1 and 8 more transcripts); c.-90del (NM_001424043.1); c.-15+85del (NM_001318975.1); short protein forms L26fs.
Identifiers: ClinVar variation 2982268 (VCV002982268.5), dbSNP rs2533311813, ClinGen allele CA2578677446.
Genomic context (GRCh38, chr6:80,106,766, plus strand): 5'-GCGGCGGCTGCCGGCTGGCTACTCAGGCTCAGGGCGGCAGGGGCTGAGGGGCACTGGCGT[CG>C]GCTTCCTGGCGCGGGGCTGGCGCGGGGCTTTTTGCACCCCGCCGCGACTGTCGAGGATGC-3'